The following is an entry in ClinVar:

NM_003579.4(RAD54L):c.8G>A (p.Arg3Lys)

Gene: RAD54L (RAD54 like; plus strand). Cytogenetic location: 1p34.1.
Variant type: single nucleotide variant.
Coding change: c.8G>A on transcript NM_003579.4 (MANE Select); coding-DNA position 8, G replaced by A.
Protein change: p.Arg3Lys; replaces arginine 3 with lysine.
Molecular consequence: missense variant. On other transcripts: 5 prime UTR variant (1).
Genome position (GRCh38, 1-based): chr1:46,248,516, G>A. VCF-style: chr1-46248516-G-A. GRCh37 (hg19) VCF-style: chr1-46714188-G-A.
Other names: c.8G>A, p.Arg3Lys (NM_001142548.2); c.-533G>A (NM_001370766.1); short protein forms R3K.
Identifiers: ClinVar variation 3223468 (VCV003223468.1), dbSNP rs748348499, ClinGen allele CA834109.

ClinVar aggregate classification (germline): Uncertain significance (1 of 4 stars; one submission).

Allele frequency attached by ClinVar (database versions not stated): gnomAD exomes below 0.00001; ExAC 0.00001.
gnomAD v4.1: 2 of 1,614,156 alleles (0.00012%); highest among the groups gnomAD compares: African/African-American, 0.0013%; no homozygotes.

Submission:

Ambry Genetics
Classification: Uncertain significance. Last evaluated: 2023-12-08. Review status: criteria provided, single submitter. Criteria: Ambry Variant Classification Scheme 2023. Collection method: clinical testing. Allele origin: germline.
Comment: The p.R3K variant (also known as c.8G>A), located in coding exon 2 of the RAD54L gene, results from a G to A substitution at nucleotide position 8. The arginine at codon 3 is replaced by lysine, an amino acid with highly similar properties. This amino acid position is conserved. In addition, this alteration is predicted to be tolerated by in silico analysis. Since supporting evidence is limited at this time, the clinical significance of this alteration remains unclear.